The following is an entry in ClinVar:

ClinVar aggregate classification (germline): Uncertain significance (1 of 4 stars; one submission).

Submission:

Dasa
Classification: Uncertain significance. Last evaluated: 2025-05-12. Review status: criteria provided, single submitter. Criteria: DASA Assertion Criteria. Collection method: clinical testing. Allele origin: germline.
Comment: NM_006734.4(HIVEP2):c.4397A>G (p.Tyr1466Cys) is a missense variant that results in the substitution of tyrosine with cysteine. This variant is rare in population databases. Computational prediction algorithms are consistent with a benign effect. The currently available literature and clinical evidence are not sufficient to establish a definitive association between this variant and the reported condition. Therefore, this variant is classified as a variant of uncertain significance.

NM_006734.4(HIVEP2):c.4397A>G (p.Tyr1466Cys)

Gene: HIVEP2 (HIVEP zinc finger 2; minus strand). Cytogenetic location: 6q24.2.
Variant type: single nucleotide variant.
Coding change: c.4397A>G on transcript NM_006734.4 (MANE Select); coding-DNA position 4397, A replaced by G.
Protein change: p.Tyr1466Cys; replaces tyrosine 1466 with cysteine.
Molecular consequence: missense variant.
Genome position (GRCh38, 1-based): chr6:142,770,342, T>C on the plus strand (A>G on the coding strand, the complement: HIVEP2 is on the minus strand). VCF-style: chr6-142770342-T-C. GRCh37 (hg19) VCF-style: chr6-143091479-T-C.
Other names: c.4397A>G, p.Tyr1466Cys (NM_001438449.1, NM_001438450.1, NM_001438451.1); short protein forms Y1466C.
Identifiers: ClinVar variation 4881165 (VCV004881165.2).
Genomic context (GRCh38, chr6:142,770,342, plus strand): 5'-TCCTTTTTGATGTCTGAGTTGGTCAGCTCCACAGCACTAAGCTCCTCCACAATCTGTCCG[T>C]ACATCTTTTCTTCTTTGACCCTTTTCTGCTGCTTGGTTTCCATGAAGAGCTCCAAGCTAC-3'
Protein context (NP_006725.3, residues 1456-1476): QQKRVKEEKM[Tyr1466Cys]GQIVEELSAV